The following is an entry in ClinVar:

NM_018010.4(IFT57):c.736G>A (p.Val246Ile)

Gene: IFT57 (intraflagellar transport 57; minus strand). Cytogenetic location: 3q13.12.
Variant type: single nucleotide variant.
Coding change: c.736G>A on transcript NM_018010.4 (MANE Select); coding-DNA position 736, G replaced by A.
Protein change: p.Val246Ile; replaces valine 246 with isoleucine.
Molecular consequence: missense variant.
Genome position (GRCh38, 1-based): chr3:108,191,562, C>T on the plus strand (G>A on the coding strand, the complement: IFT57 is on the minus strand). VCF-style: chr3-108191562-C-T. GRCh37 (hg19) VCF-style: chr3-107910409-C-T.
Other names: short protein forms V246I.
Identifiers: ClinVar variation 1379129 (VCV001379129.8), dbSNP rs1238212059, ClinGen allele CA353906426.

ClinVar aggregate classification (germline): Uncertain significance (1 of 4 stars; one submission).

Submission:

Labcorp Genetics (formerly Invitae), Labcorp
Classification: Uncertain significance. Last evaluated: 2022-10-13. Review status: criteria provided, single submitter. Criteria: Invitae Variant Classification Sherloc (09022015). Collection method: clinical testing. Allele origin: germline.
Comment: This variant has not been reported in the literature in individuals affected with IFT57-related conditions. In summary, the available evidence is currently insufficient to determine the role of this variant in disease. Therefore, it has been classified as a Variant of Uncertain Significance. Algorithms developed to predict the effect of missense changes on protein structure and function output the following: SIFT: "Deleterious"; PolyPhen-2: "Benign"; Align-GVGD: "Class C25". The isoleucine amino acid residue is found in multiple mammalian species, which suggests that this missense change does not adversely affect protein function. ClinVar contains an entry for this variant (Variation ID: 1379129). This variant is not present in population databases (gnomAD no frequency). This sequence change replaces valine, which is neutral and non-polar, with isoleucine, which is neutral and non-polar, at codon 246 of the IFT57 protein (p.Val246Ile).